The following is an entry in ClinVar:

ClinVar aggregate classification (germline): Uncertain significance (1 of 4 stars; one submission).

Allele frequency attached by ClinVar (database versions not stated): gnomAD exomes below 0.00001; gnomAD 0.00001.
gnomAD v4.1: 2 of 1,612,618 alleles (0.00012%); highest among the groups gnomAD compares: South Asian, 0.0011%; no homozygotes.

Submission:

Ambry Genetics
Classification: Uncertain significance. Last evaluated: 2022-10-09. Review status: criteria provided, single submitter. Criteria: Ambry Variant Classification Scheme 2023. Collection method: clinical testing. Allele origin: germline.
Comment: The p.A155V variant (also known as c.464C>T), located in coding exon 4 of the BUB3 gene, results from a C to T substitution at nucleotide position 464. The alanine at codon 155 is replaced by valine, an amino acid with similar properties. This amino acid position is conserved. In addition, this alteration is predicted to be deleterious by in silico analysis. Since supporting evidence is limited at this time, the clinical significance of this alteration remains unclear.

NM_004725.4(BUB3):c.464C>T (p.Ala155Val)

Gene: BUB3 (BUB3 mitotic checkpoint protein; plus strand). Cytogenetic location: 10q26.13.
Variant type: single nucleotide variant.
Coding change: c.464C>T on transcript NM_004725.4 (MANE Select); coding-DNA position 464, C replaced by T.
Protein change: p.Ala155Val; replaces alanine 155 with valine.
Molecular consequence: missense variant.
Genome position (GRCh38, 1-based): chr10:123,160,453, C>T. VCF-style: chr10-123160453-C-T. GRCh37 (hg19) VCF-style: chr10-124919969-C-T.
Other names: c.464C>T, p.Ala155Val (NM_001007793.3); short protein forms A155V.
Identifiers: ClinVar variation 1742169 (VCV001742169.2), dbSNP rs1255537354, ClinGen allele CA378626151.